The following is an entry in ClinVar:

ClinVar aggregate classification (germline): Uncertain significance (1 of 4 stars; one submission).

Conditions:
ASXL3-related disorder. Also called: ASXL3-related condition. Identifiers: MedGen CN381524.

Submission:

PreventionGenetics, part of Exact Sciences
Classification: Uncertain significance for ASXL3-related condition. Last evaluated: 2026-07-23. Review status: criteria provided, single submitter. Criteria: ACMG Guidelines, 2015. Collection method: clinical testing. Allele origin: germline.
Comment: The ASXL3 c.6484A>T variant is predicted to result in the amino acid substitution p.Thr2162Ser. To our knowledge, this variant has not been reported in the literature or in a large population database (gnomAD), indicating this variant is rare. At this time, the clinical significance of this variant is uncertain due to the absence of conclusive functional and genetic evidence.

NM_030632.3(ASXL3):c.6484A>T (p.Thr2162Ser)

Gene: ASXL3 (ASXL transcriptional regulator 3; plus strand). Cytogenetic location: 18q12.1.
Variant type: single nucleotide variant.
Coding change: c.6484A>T on transcript NM_030632.3 (MANE Select); coding-DNA position 6484, A replaced by T.
Protein change: p.Thr2162Ser; replaces threonine 2162 with serine.
Molecular consequence: missense variant.
Genome position (GRCh38, 1-based): chr18:33,746,332, A>T. VCF-style: chr18-33746332-A-T. GRCh37 (hg19) VCF-style: chr18-31326296-A-T.
Other names: short protein forms T2162S.
Identifiers: ClinVar variation 4985272 (VCV004985272.1).
Genomic context (GRCh38, chr18:33,746,332, plus strand): 5'-ATGCAGGTGCAGCAACAACAGCAGCTCTGTGGAAATTATCCAACAATACACTTTGGTAGC[A>T]CGAGTTTCAAAAGGGCAGCATCTGCAATTGAAAAGTCCATTGGGATTTTGGGAAGTGGCT-3'
Protein context (NP_085135.1, residues 2152-2172): GNYPTIHFGS[Thr2162Ser]SFKRAASAIE